The following is an entry in ClinVar:

ClinVar aggregate classification (germline): Uncertain significance (1 of 4 stars; one submission).

Conditions:
Charcot-Marie-Tooth disease type 2. Also called: Charcot-Marie-Tooth type 2. Identifiers: Orphanet 64746, MedGen C0270914, MONDO:0018993.

Allele frequency attached by ClinVar (database versions not stated): gnomAD exomes below 0.00001.
gnomAD v4.1: 5 of 1,607,546 alleles (0.00031%); highest among the groups gnomAD compares: South Asian, 0.0055%; 1 homozygote.

Submission:

Labcorp Genetics (formerly Invitae), Labcorp
Classification: Uncertain significance for Charcot-Marie-Tooth disease type 2. Last evaluated: 2022-05-20. Review status: criteria provided, single submitter. Criteria: Invitae Variant Classification Sherloc (09022015). Collection method: clinical testing. Allele origin: germline.
Comment: In summary, the available evidence is currently insufficient to determine the role of this variant in disease. Therefore, it has been classified as a Variant of Uncertain Significance. Variants that disrupt the consensus splice site are a relatively common cause of aberrant splicing (PMID: 17576681, 9536098). Algorithms developed to predict the effect of sequence changes on RNA splicing suggest that this variant is not likely to affect RNA splicing. This variant has not been reported in the literature in individuals affected with KIF1B-related conditions. This variant is not present in population databases (gnomAD no frequency). This sequence change falls in intron 17 of the KIF1B gene. It does not directly change the encoded amino acid sequence of the KIF1B protein. It affects a nucleotide within the consensus splice site.

Literature cited by the submitters: PubMed 17576681; PubMed 9536098.

NM_001365951.3(KIF1B):c.1777+5G>C

Gene: KIF1B (kinesin family member 1B; plus strand). Cytogenetic location: 1p36.22.
Variant type: single nucleotide variant.
Coding change: c.1777+5G>C on transcript NM_001365951.3 (MANE Select); 5 bases into the intron after coding-DNA position 1777, G replaced by C.
Molecular consequence: intron variant.
Genome position (GRCh38, 1-based): chr1:10,295,771, G>C. VCF-style: chr1-10295771-G-C. GRCh37 (hg19) VCF-style: chr1-10355829-G-C.
Other names: c.1639+5G>C (NM_183416.4, NM_015074.3, NM_001365953.1); c.1777+5G>C (NM_001365952.1).
Identifiers: ClinVar variation 2158459 (VCV002158459.4), dbSNP rs2102256562, ClinGen allele CA2580060449.